The following is an entry in ClinVar:

ClinVar aggregate classification (germline): Pathogenic (1 of 4 stars; one submission).

Conditions:
Polycystic kidney disease 2 (PKD2). Also called: POLYCYSTIC KIDNEY DISEASE 2 WITH OR WITHOUT POLYCYSTIC LIVER DISEASE; Polycystic Kidney Disease 2, Autosomal Dominant; POLYCYSTIC KIDNEY DISEASE, ADULT, TYPE II. Identifiers: MedGen C2751306, MONDO:0013131, OMIM 613095.

Submission:

Cavalleri Lab, Royal College of Surgeons in Ireland
Classification: Pathogenic for Polycystic kidney disease 2. Last evaluated: 2020-02-05. Review status: criteria provided, single submitter. Criteria: ACMG Guidelines, 2015. Collection method: research. Allele origin: unknown. Inheritance: Autosomal dominant inheritance. Affected: yes.
Comment: PVS1, PM2, PP4

NM_000297.4(PKD2):c.405del (p.Ala136fs)

Genes: PKD2 (polycystin 2, transient receptor potential cation channel; plus strand), LOC129992813 (ATAC-STARR-seq lymphoblastoid silent region 15559; plus strand). Cytogenetic location: 4q22.1.
Variant type: Deletion.
Coding change: c.405del on transcript NM_000297.4 (MANE Select); coding-DNA position 405, one base deleted (C; older notation c.405delC).
Protein change: p.Ala136fs; shifts the reading frame from alanine 136.
Molecular consequence: frameshift variant. On other transcripts: non-coding transcript variant (1).
Genome position (GRCh38, 1-based): chr4:88,008,138, C deleted. VCF-style (leftmost placement, unchanged base first): chr4-88008137-GC-G. GRCh37 (hg19) VCF-style: chr4-88929289-GC-G.
Other names: c.405delC (NM_000297.4); short protein forms A136fs.
Identifiers: ClinVar variation 873403 (VCV000873403.1), dbSNP rs1726245372, ClinGen allele CA1139658559.